The following is an entry in ClinVar:

ClinVar aggregate classification (germline): Uncertain significance. Review status: criteria provided, multiple submitters, no conflicts (2 of 4 stars). 2 submissions from 2 submitters: Uncertain significance (2). Last evaluated 2025-04-14.

Conditions:
Epileptic encephalopathy. Identifiers: MedGen C0543888, HP:0200134.

Submissions (2):

Ambry Genetics
Classification: Uncertain significance. Last evaluated: 2025-04-14. Review status: criteria provided, single submitter. Criteria: Ambry Variant Classification Scheme 2023. Collection method: clinical testing. Allele origin: germline.

Labcorp Genetics (formerly Invitae), Labcorp
Classification: Uncertain significance for Epileptic encephalopathy. Last evaluated: 2022-02-05. Review status: criteria provided, single submitter. Criteria: Invitae Variant Classification Sherloc (09022015). Collection method: clinical testing. Allele origin: germline.
Comment: This sequence change replaces isoleucine, which is neutral and non-polar, with valine, which is neutral and non-polar, at codon 1889 of the FASN protein (p.Ile1889Val). This variant is not present in population databases (gnomAD no frequency). This variant has not been reported in the literature in individuals affected with FASN-related conditions. Algorithms developed to predict the effect of missense changes on protein structure and function output the following: SIFT: "Tolerated"; PolyPhen-2: "Benign"; Align-GVGD: "Class C0". The valine amino acid residue is found in multiple mammalian species, which suggests that this missense change does not adversely affect protein function. In summary, the available evidence is currently insufficient to determine the role of this variant in disease. Therefore, it has been classified as a Variant of Uncertain Significance.

NM_004104.5(FASN):c.5665A>G (p.Ile1889Val)

Gene: FASN (fatty acid synthase; minus strand). Cytogenetic location: 17q25.3.
Variant type: single nucleotide variant.
Coding change: c.5665A>G on transcript NM_004104.5 (MANE Select); coding-DNA position 5665, A replaced by G.
Protein change: p.Ile1889Val; replaces isoleucine 1889 with valine.
Molecular consequence: missense variant.
Genome position (GRCh38, 1-based): chr17:82,083,016, T>C on the plus strand (A>G on the coding strand, the complement: FASN is on the minus strand). VCF-style: chr17-82083016-T-C. GRCh37 (hg19) VCF-style: chr17-80040892-T-C.
Other names: c.5665A>G (NM_004104.4); short protein forms I1889V.
Identifiers: ClinVar variation 1460999 (VCV001460999.9), dbSNP rs2144784664, ClinGen allele CA401535678.